The following is an entry in ClinVar:

ClinVar aggregate classification (germline): Likely benign (1 of 4 stars; one submission).

Submission:

CeGaT Center for Human Genetics Tuebingen
Classification: Likely benign. Last evaluated: 2022-09-01. Review status: criteria provided, single submitter. Criteria: CeGaT Center For Human Genetics Tuebingen Variant Classification Criteria Version 2. Collection method: clinical testing. Allele origin: germline. Affected: yes. Observed: 1 variant allele.
Comment: NKX2-3: BP4, BP7, BS2

NM_145285.3(NKX2-3):c.849A>T (p.Ala283=)

Gene: NKX2-3 (NK2 homeobox 3; plus strand). Cytogenetic location: 10q24.2.
Variant type: single nucleotide variant.
Coding change: c.849A>T on transcript NM_145285.3 (MANE Select); coding-DNA position 849, A replaced by T.
Protein change: p.Ala283=; no amino-acid change (alanine 283 retained).
Molecular consequence: synonymous variant.
Genome position (GRCh38, 1-based): chr10:99,535,475, A>T. VCF-style: chr10-99535475-A-T. GRCh37 (hg19) VCF-style: chr10-101295232-A-T.
Identifiers: ClinVar variation 2640748 (VCV002640748.24), dbSNP rs903996123, ClinGen allele CA471274973.